The following is an entry in ClinVar:

NM_033337.3(CAV3):c.277G>A (p.Ala93Thr)

Genes: CAV3 (caveolin 3; plus strand), OXTR (oxytocin receptor; minus strand). Cytogenetic location: 3p25.3.
Variant type: single nucleotide variant.
Coding change: c.277G>A on transcript NM_033337.3 (MANE Select); coding-DNA position 277, G replaced by A.
Protein change: p.Ala93Thr; replaces alanine 93 with threonine.
Molecular consequence: missense variant.
Genome position (GRCh38, 1-based): chr3:8,745,688, G>A. VCF-style: chr3-8745688-G-A. GRCh37 (hg19) VCF-style: chr3-8787374-G-A.
Other names: c.277G>A, p.Ala93Thr (NM_001234.5); short protein forms A93T.
Identifiers: ClinVar variation 8285 (VCV000008285.63), dbSNP rs28936686, ClinGen allele CA119440.

ClinVar aggregate classification (germline): Conflicting classifications of pathogenicity. Review status: criteria provided, conflicting classifications (1 of 4 stars). 17 submissions from 17 submitters: Pathogenic (6); Likely pathogenic (7); Uncertain significance (2). 2 of the submissions do not count toward it. Last evaluated 2026-01-11.

Conditions:
Creatine phosphokinase, elevated serum. Also called: HYPERCKEMIA, IDIOPATHIC. Identifiers: MedGen C4724975, MONDO:0007402, OMIM 123320.
Hypertrophic cardiomyopathy 1 (CMH1). Also called: MYH7-Related Familial Hypertrophic Cardiomyopathy; Familial hypertrophic cardiomyopathy 1. Identifiers: MedGen C3495498, MONDO:0008647, OMIM 192600.
Distal myopathy, Tateyama type (MPDT). Also called: CAV3-Related Distal Myopathy. Identifiers: Orphanet 488650, MedGen C3280443, MONDO:0013686, OMIM 614321.
Rippling muscle disease 2 (RMD2). Also called: CAV3-Related Rippling Muscle Disease; Limb-girdle muscular dystrophy, type 1C. Identifiers: Orphanet 265, MedGen C1832560, MONDO:0019947, OMIM 606072.
Long QT syndrome 9 (LQT9). Identifiers: Orphanet 101016, Orphanet 768, MedGen C2678485, MONDO:0012736, OMIM 611818.
CAV3-related disorder. Also called: CAV3-related condition.
Elevated circulating creatine kinase activity. Also called: Elevated creatine kinase; Elevated serum creatine phosphokinase; Elevated circulating creatine kinase concentration. Identifiers: MedGen C0241005, HP:0003236.
Cardiovascular phenotype. Identifiers: MedGen CN230736.
Caveolinopathy. Identifiers: Orphanet 207078, MedGen C5679790, MONDO:0016146.
Long QT syndrome (LQTS). Identifiers: MedGen C0023976, MeSH D008133, MONDO:0002442. Disease mechanism: loss of function. Inheritance: Various modes of inheritance.
Rippling muscle disease 2, autosomal recessive. Identifiers: MedGen C4016724.

Allele frequency attached by ClinVar (database versions not stated): TOPMed 0.00008.
gnomAD v4.1: 166 of 1,613,978 alleles (0.01%); highest among the groups gnomAD compares: East Asian, 0.022%; no homozygotes.

Submissions 1 to 11 of 17:

Labcorp Genetics (formerly Invitae), Labcorp
Classification: Pathogenic for Long QT syndrome. Last evaluated: 2026-01-11. Review status: criteria provided, single submitter. Criteria: Invitae Variant Classification Sherloc (09022015). Collection method: clinical testing. Allele origin: germline.
Comment: This sequence change replaces alanine, which is neutral and non-polar, with threonine, which is neutral and polar, at codon 93 of the CAV3 protein (p.Ala93Thr). This variant is present in population databases (rs28936686, gnomAD 0.06%). This missense change has been observed in individual(s) with autosomal recessive limb-girdle muscular dystrophy and autosomal recessive rippling muscle disease (PMID: 12666119, 15668980, 19697367, 27184587). It has also been observed to segregate with disease in related individuals. ClinVar contains an entry for this variant (Variation ID: 8285). An algorithm developed to predict the effect of missense changes on protein structure and function (PolyPhen-2) suggests that this variant is likely to be disruptive. For these reasons, this variant has been classified as Pathogenic.

GeneDx
Classification: Likely pathogenic. Last evaluated: 2025-10-31. Review status: criteria provided, single submitter. Criteria: GeneDx Variant Classification Process June 2021. Collection method: clinical testing. Allele origin: germline. Affected: yes.
Comment: Observed in both the homozygous and heterozygous state in a German family with clinical features of rippling muscle disease. Additionally, reported in the homozygous state in a family member reported to have no muscle weakness, although a physical evaluation was not performed on this individual (PMID: 19697367); Identified in a patient with congenital Long QT syndrome (LQTS) in published literature (PMID: 33614747); Missense variants in this gene are a common cause of disease and they are underrepresented in the general population; Immunohistochemistry and electron microscopy demonstrate loss of caveolin-3 protein and almost complete absence of caveolae in skeletal muscle in an individual homozygous for the p.(A93T) variant (PMID: 12666119); In silico analysis supports that this missense variant has a deleterious effect on protein structure/function; Also known as p.(A92T); This variant is associated with the following publications: (PMID: 25008241, 15580566, 15668980, 27184587, 19697367, 32419263, 30847666, 25351510, 25630502, 33614747, 32548831, 32528171, Lee2023[article], Leung2023[article], 36556183, 32153140, 12666119, 36387164)

Ambry Genetics
Classification: Uncertain significance for Cardiovascular phenotype. Last evaluated: 2025-03-20. Review status: criteria provided, single submitter. Criteria: Ambry Variant Classification Scheme 2023. Collection method: clinical testing. Allele origin: germline.
Comment: The p.A93T variant (also known as c.277G>A), located in coding exon 2 of the CAV3 gene, results from a G to A substitution at nucleotide position 277. The alanine at codon 93 is replaced by threonine, an amino acid with similar properties. This alteration (also known as p.A92T) has been reported in the homozygous state in individuals with rippling muscle disease (RMD) and limb-girdle muscular dystrophy, and one study indicated reduction of CAV3 protein expression and caveolae in skeletal muscle from a homozygous individual (Kubisch C et al. Ann. Neurol., 2003 Apr;53:512-20; Kubisch C et al. Ann. Neurol., 2005 Feb;57:303-4; Magri F et al. Muscle Nerve, 2016 May). In one family, heterozygous individuals did not exhibit any symptoms of RMD, while another family demonstrated mild symptoms of muscle weakness in heterozygous family members (Kubisch C et al. Ann. Neurol., 2005 Feb;57:303-4; Jacobi C et al. Muscle Nerve, 2010 Jan;41:128-32). This variant has also been reported in hypertrophic cardiomyopathy and dilated cardiomyopathy genetic testing cohorts; however, clinical details were limited and additional variants were detected in some cases (Lopes LR et al. Heart, 2015 Feb;101:294-301; van Lint FHM et al, 2019 Jun;27:304-309). This amino acid position is highly conserved in available vertebrate species. In addition, this alteration is predicted to be deleterious by BayesDel analysis. Based on the supporting evidence, this variant is likely to be pathogenic for autosomal recessive caveolinopathy; however, the clinical significance for autosomal dominant caveolinopathy is unclear.

Institute of Immunology and Genetics Kaiserslautern
Classification: Pathogenic for Hypertrophic cardiomyopathy 1. Last evaluated: 2025-02-21. Review status: criteria provided, single submitter. Criteria: ACMG Guidelines, 2015. Collection method: clinical testing. Allele origin: germline. Affected: yes.
Comment: ACMG Criteria: PS3, PM1, PM2_P, PP1, PP3, PP5 ; Variant was found in heterozygous state.

Revvity Omics, Revvity
Classification: Uncertain significance. Last evaluated: 2025-02-20. Review status: criteria provided, single submitter. Criteria: ACMG Guidelines, 2015. Collection method: clinical testing. Allele origin: germline.

Blueprint Genetics
Classification: Likely pathogenic for CAV3-related disorders. Last evaluated: 2024-07-15. Review status: criteria provided, single submitter. Criteria: ACMG Guidelines, 2015. Collection method: clinical testing. Allele origin: germline. Affected: yes. Observed: 5 variant alleles.

Fulgent Genetics
Classification: Pathogenic for Creatine phosphokinase, elevated serum; Hypertrophic cardiomyopathy 1; Rippling muscle disease 2; Long QT syndrome 9; Distal myopathy, Tateyama type. Last evaluated: 2024-05-07. Review status: criteria provided, single submitter. Criteria: ACMG Guidelines, 2015. Collection method: clinical testing. Allele origin: germline.

CeGaT Center for Human Genetics Tuebingen
Classification: Likely pathogenic. Last evaluated: 2023-03-01. Review status: criteria provided, single submitter. Criteria: CeGaT Center For Human Genetics Tuebingen Variant Classification Criteria Version 2. Collection method: clinical testing. Allele origin: germline. Affected: yes. Observed: 1 variant allele.
Comment: CAV3: PM1, PS3:Moderate, PP3, PS4:Supporting

Clinical Genetics Laboratory, Skane University Hospital Lund
Classification: Likely pathogenic. Last evaluated: 2022-06-14. Review status: criteria provided, single submitter. Criteria: ACMG Guidelines, 2015. Collection method: clinical testing. Allele origin: germline. Affected: yes.

Women's Health and Genetics/Laboratory Corporation of America, LabCorp
Classification: Pathogenic for Rippling muscle disease 2. Last evaluated: 2022-05-31. Review status: criteria provided, single submitter. Criteria: LabCorp Variant Classification Summary - May 2015. Collection method: clinical testing. Allele origin: germline.
Comment: Variant summary: CAV3 c.277G>A (p.Ala93Thr) results in a non-conservative amino acid change in the encoded protein sequence. Five of five in-silico tools predict a damaging effect of the variant on protein function. The variant allele was found at a frequency of 0.00016 in 251184 control chromosomes. This frequency does not allow conclusions about variant significance. c.277G>A has been reported in the literature as a homozygous genotype in families with features of recessive Rippling Muscle Disease and variable phenotypic outcomes ranging from unaffected to mildly affected among obligate carriers (example, Kubisch_2003, Kubisch_2005, Magri_2015, Jacobi_2010). It has also been reported in at-least two individuals (exact zygosity/genotype not specified) in a setting of targeted exome sequencing in a cohort affected by unexplained limb-girdle weakness (example, Topf_2020). These data indicate that the variant is very likely to be associated with disease. To our knowledge, no experimental evidence demonstrating an impact on protein function has been reported. Five clinical diagnostic laboratories have submitted clinical-significance assessments for this variant to ClinVar after 2014 without evidence for independent evaluation (Pathogenic/Likely pathogenic, n=4; VUS, n=1). Based on the evidence outlined above, the variant was classified as pathogenic.

Department of Pathology and Laboratory Medicine, Sinai Health System
Classification: Likely pathogenic for caveolinopathy. Last evaluated: 2022-04-20. Review status: criteria provided, single submitter. Criteria: ACMG Guidelines, 2015. Collection method: research. Allele origin: germline.